The following is an entry in ClinVar:

NM_006231.4(POLE):c.2455G>A (p.Val819Ile)

Gene: POLE (DNA polymerase epsilon, catalytic subunit; minus strand). Cytogenetic location: 12q24.33.
Variant type: single nucleotide variant.
Coding change: c.2455G>A on transcript NM_006231.4 (MANE Select); coding-DNA position 2455, G replaced by A.
Protein change: p.Val819Ile; replaces valine 819 with isoleucine.
Molecular consequence: missense variant.
Genome position (GRCh38, 1-based): chr12:132,665,315, C>T on the plus strand (G>A on the coding strand, the complement: POLE is on the minus strand). VCF-style: chr12-132665315-C-T. GRCh37 (hg19) VCF-style: chr12-133241901-C-T.
Other names: short protein forms V819I.
Identifiers: ClinVar variation 947766 (VCV000947766.9), dbSNP rs1555226692, ClinGen allele CA387396931.

ClinVar aggregate classification (germline): Uncertain significance (1 of 4 stars; one submission).

Submission:

Labcorp Genetics (formerly Invitae), Labcorp
Classification: Uncertain significance. Last evaluated: 2025-03-24. Review status: criteria provided, single submitter. Criteria: Invitae Variant Classification Sherloc (09022015). Collection method: clinical testing. Allele origin: germline.
Comment: This sequence change replaces valine, which is neutral and non-polar, with isoleucine, which is neutral and non-polar, at codon 819 of the POLE protein (p.Val819Ile). This variant is not present in population databases (gnomAD no frequency). This variant has not been reported in the literature in individuals affected with POLE-related conditions. ClinVar contains an entry for this variant (Variation ID: 947766). Invitae Evidence Modeling of protein sequence and biophysical properties (such as structural, functional, and spatial information, amino acid conservation, physicochemical variation, residue mobility, and thermodynamic stability) indicates that this missense variant is expected to disrupt POLE protein function with a positive predictive value of 80%. In summary, the available evidence is currently insufficient to determine the role of this variant in disease. Therefore, it has been classified as a Variant of Uncertain Significance.